The following is an entry in ClinVar:

NM_000548.5(TSC2):c.370T>C (p.Phe124Leu)

Gene: TSC2 (TSC complex subunit 2; plus strand). Cytogenetic location: 16p13.3.
Variant type: single nucleotide variant.
Coding change: c.370T>C on transcript NM_000548.5 (MANE Select); coding-DNA position 370, T replaced by C.
Protein change: p.Phe124Leu; replaces phenylalanine 124 with leucine.
Molecular consequence: missense variant. On other transcripts: intron variant (1).
Genome position (GRCh38, 1-based): chr16:2,054,329, T>C. VCF-style: chr16-2054329-T-C. GRCh37 (hg19) VCF-style: chr16-2104330-T-C.
Other names: c.370T>C, p.Phe124Leu (NM_001370404.1, NM_001370405.1, NM_021055.3 and 3 more transcripts); c.-1-1867T>C (NM_001318831.2); c.259T>C, p.Phe87Leu (NM_001318827.2); c.223T>C, p.Phe75Leu (NM_001318829.2); c.403T>C, p.Phe135Leu (NM_001318832.2); short protein forms F87L, F124L, F135L, F75L.
Identifiers: ClinVar variation 648180 (VCV000648180.18), dbSNP rs547231441, ClinGen allele CA048121.
Genomic context (GRCh38, chr16:2,054,329, plus strand): 5'-TGCTGATCCTGTGGCTTTTGTCTTTAGGGCGAGCGTTTGGGGGTCCTCAGAGCCCTCTTC[T>C]TTAAGGTCATCAAGGATTACCCTTCCAACGAAGACCTTCACGAAAGGCTGGAGGTTTTCA-3'
Protein context (NP_000539.2, residues 114-134): ERLGVLRALF[Phe124Leu]KVIKDYPSNE

ClinVar aggregate classification (germline): Uncertain significance. Review status: criteria provided, multiple submitters, no conflicts (2 of 4 stars). 5 submissions from 5 submitters: Uncertain significance (5). Last evaluated 2026-07-07.

Conditions:
Hereditary cancer-predisposing syndrome. Also called: Neoplastic Syndromes, Hereditary; Hereditary Cancer Syndrome; Hereditary neoplastic syndrome; Tumor predisposition. Identifiers: Orphanet 140162, MedGen C0027672, MeSH D009386, MONDO:0015356.
Tuberous sclerosis syndrome (TSC). Also called: Tuberous Sclerosis Complex; Tuberous sclerosis. Identifiers: Orphanet 805, MedGen C0041341, MONDO:0001734.
Isolated focal cortical dysplasia type II (FCORD2). Also called: Focal cortical dysplasia type II; CORTICAL DYSPLASIA OF TAYLOR. Identifiers: Orphanet 268994, MedGen C1846385, MONDO:0011818, OMIM 607341, HP:0032051.
Tuberous sclerosis 2 (TSC2). Identifiers: Orphanet 805, MedGen C1860707, MONDO:0013199, OMIM 613254.

Allele frequency attached by ClinVar (database versions not stated): gnomAD exomes below 0.00001; ExAC 0.00001; gnomAD 0.00001; 1000 Genomes Project 30x 0.00016; 1000 Genomes Project 0.00020.
gnomAD v4.1: 1 of 1,614,170 alleles (0.000062%); highest among the groups gnomAD compares: Admixed American, 0.0017%; no homozygotes.

Submissions (5):

Ambry Genetics
Classification: Uncertain significance for Hereditary cancer-predisposing syndrome. Last evaluated: 2026-07-07. Review status: criteria provided, single submitter. Criteria: Ambry Variant Classification Scheme 2023. Collection method: clinical testing. Allele origin: germline.
Comment: The p.F124L variant (also known as c.370T>C), located in coding exon 4 of the TSC2 gene, results from a T to C substitution at nucleotide position 370. The phenylalanine at codon 124 is replaced by leucine, an amino acid with highly similar properties. This amino acid position is highly conserved in available vertebrate species. In addition, this alteration is predicted to be deleterious by in silico analysis. Based on the available evidence, the clinical significance of this variant remains unclear.

All of Us Research Program, National Institutes of Health
Classification: Uncertain significance for Tuberous sclerosis syndrome. Last evaluated: 2024-07-29. Review status: criteria provided, single submitter. Criteria: ACMG Guidelines, 2015. Collection method: clinical testing. Allele origin: germline. Inheritance: Autosomal dominant inheritance. Observed: 1 variant allele, 1 heterozygote.
Comment: This missense variant replaces phenylalanine with leucine at codon 124 of the TSC2 protein. Computational prediction suggests that this variant may have deleterious impact on protein structure and function (internally defined REVEL score threshold >= 0.7, PMID: 27666373). To our knowledge, functional studies have not been reported for this variant. This variant has not been reported in individuals affected with TSC2-related disorders in the literature. This variant has been identified in 1/251480 chromosomes in the general population by the Genome Aggregation Database (gnomAD). The available evidence is insufficient to determine the role of this variant in disease conclusively. Therefore, this variant is classified as a Variant of Uncertain Significance.

This study involves interpretation of variants in research participants for the purpose of population health screening. Participant phenotype was not available at the time of variant classification. Additional details can be found in publication PMID: 35346344, PMCID: PMC8962531

Labcorp Genetics (formerly Invitae), Labcorp
Classification: Uncertain significance for Tuberous sclerosis 2. Last evaluated: 2024-03-18. Review status: criteria provided, single submitter. Criteria: Invitae Variant Classification Sherloc (09022015). Collection method: clinical testing. Allele origin: germline.
Comment: This sequence change replaces phenylalanine, which is neutral and non-polar, with leucine, which is neutral and non-polar, at codon 124 of the TSC2 protein (p.Phe124Leu). This variant is present in population databases (rs547231441, gnomAD 0.003%). This variant has not been reported in the literature in individuals affected with TSC2-related conditions. ClinVar contains an entry for this variant (Variation ID: 648180). Advanced modeling of protein sequence and biophysical properties (such as structural, functional, and spatial information, amino acid conservation, physicochemical variation, residue mobility, and thermodynamic stability) performed at Invitae indicates that this missense variant is not expected to disrupt TSC2 protein function with a negative predictive value of 95%. In summary, the available evidence is currently insufficient to determine the role of this variant in disease. Therefore, it has been classified as a Variant of Uncertain Significance.

Baylor Genetics
Classification: Uncertain significance for Isolated focal cortical dysplasia type II. Last evaluated: 2024-03-05. Review status: criteria provided, single submitter. Criteria: ACMG Guidelines, 2015. Collection method: clinical testing. Allele origin: unknown.

Genome-Nilou Lab
Classification: Uncertain significance for Tuberous sclerosis 2. Last evaluated: 2021-11-07. Review status: criteria provided, single submitter. Criteria: ACMG Guidelines, 2015. Collection method: clinical testing. Allele origin: germline. Affected: no.